The following is an entry in ClinVar:

NM_000368.5(TSC1):c.2626-3_2626-2insTG

Gene: TSC1 (TSC complex subunit 1; minus strand). Cytogenetic location: 9q34.13.
Variant type: Insertion.
Coding change: c.2626-3_2626-2insTG on transcript NM_000368.5 (MANE Select); 3 bases into the intron before coding-DNA position 2626 through the canonical splice acceptor site of the intron before coding-DNA position 2626, TG inserted.
Molecular consequence: intron variant.
Genome position: GRCh38 VCF-style: chr9-132897612-T-TCA. GRCh37 (hg19) VCF-style: chr9-135772999-T-TCA.
Other names: c.2260-3_2260-2insTG (NM_001406620.1, NM_001406621.1, NM_001406622.1 and 1 more transcripts); c.2263-3_2263-2insTG (NM_001406618.1, NM_001406617.1, NM_001406619.1 and 4 more transcripts); c.2218-3_2218-2insTG (NM_001406625.1); c.2428-3_2428-2insTG (NM_001406613.1); c.2470-3_2470-2insTG (NM_001406612.1, NM_001406611.1); c.2473-3_2473-2insTG (NM_001406610.1, NM_001162427.2); c.1672-3_1672-2insTG (NM_001406627.1, NM_001406628.1); c.1573-3_1573-2insTG (NM_001406629.1, NM_001406630.1); and 8 more.
Identifiers: ClinVar variation 3073932 (VCV003073932.1), dbSNP rs760737807, ClinGen allele CA2579494091.
Genomic context (GRCh38, chr9:132,897,612, plus strand): 5'-ACATGGCTTCTGTTTTTTTCTAGCTCTTTCCGATAGGCGGCTTTCATCATTTCTACTTCC[T>TCA]GAAAAAAAAAAAAAAAAAAGACTGGAATTAGTACTTATAAAAAATAAACATGCTGTATCC-3'

ClinVar aggregate classification (germline): Uncertain significance (1 of 4 stars; one submission).

Conditions:
Tuberous sclerosis syndrome (TSC). Also called: Tuberous Sclerosis Complex; Tuberous sclerosis. Identifiers: Orphanet 805, MedGen C0041341, MONDO:0001734.

Submission:

All of Us Research Program, National Institutes of Health
Classification: Uncertain significance for Tuberous sclerosis syndrome. Last evaluated: 2023-11-30. Review status: criteria provided, single submitter. Criteria: ACMG Guidelines, 2015. Collection method: clinical testing. Allele origin: germline. Inheritance: Autosomal dominant inheritance. Observed: 1 variant allele, 1 heterozygote.
Comment: This study involves interpretation of variants in research participants for the purpose of population health screening. Participant phenotype was not available at the time of variant classification. Additional details can be found in publication PMID: 35346344, PMCID: PMC8962531